The following is an entry in ClinVar:

ClinVar aggregate classification (germline): Uncertain significance. Review status: criteria provided, multiple submitters, no conflicts (2 of 4 stars). 2 submissions from 2 submitters: Uncertain significance (2). Last evaluated 2023-08-30.

Conditions:
Inborn genetic diseases. Identifiers: MedGen C0950123, MeSH D030342.

Allele frequency attached by ClinVar (database versions not stated): TOPMed below 0.00001; gnomAD 0.00001.
gnomAD v4.1: 4 of 1,613,882 alleles (0.00025%); highest among the groups gnomAD compares: Non-Finnish European, 0.00034%; no homozygotes.

Submissions (2):

Labcorp Genetics (formerly Invitae), Labcorp
Classification: Uncertain significance. Last evaluated: 2023-08-30. Review status: criteria provided, single submitter. Criteria: Invitae Variant Classification Sherloc (09022015). Collection method: clinical testing. Allele origin: germline.
Comment: In summary, the available evidence is currently insufficient to determine the role of this variant in disease. Therefore, it has been classified as a Variant of Uncertain Significance. Advanced modeling of protein sequence and biophysical properties (such as structural, functional, and spatial information, amino acid conservation, physicochemical variation, residue mobility, and thermodynamic stability) performed at Invitae indicates that this missense variant is not expected to disrupt COL7A1 protein function. This variant has not been reported in the literature in individuals affected with COL7A1-related conditions. This variant is not present in population databases (gnomAD no frequency). This sequence change replaces serine, which is neutral and polar, with arginine, which is basic and polar, at codon 2273 of the COL7A1 protein (p.Ser2273Arg).

Ambry Genetics
Classification: Uncertain significance for Inborn genetic diseases. Last evaluated: 2023-08-10. Review status: criteria provided, single submitter. Criteria: Ambry Variant Classification Scheme 2023. Collection method: clinical testing. Allele origin: germline.

NM_000094.4(COL7A1):c.6819C>A (p.Ser2273Arg)

Gene: COL7A1 (collagen type VII alpha 1 chain; minus strand). Cytogenetic location: 3p21.31.
Variant type: single nucleotide variant.
Coding change: c.6819C>A on transcript NM_000094.4 (MANE Select); coding-DNA position 6819, C replaced by A.
Protein change: p.Ser2273Arg; replaces serine 2273 with arginine.
Molecular consequence: missense variant.
Genome position (GRCh38, 1-based): chr3:48,572,874, G>T on the plus strand (C>A on the coding strand, the complement: COL7A1 is on the minus strand). VCF-style: chr3-48572874-G-T. GRCh37 (hg19) VCF-style: chr3-48610307-G-T.
Other names: short protein forms S2273R.
Identifiers: ClinVar variation 2617860 (VCV002617860.5), dbSNP rs888318698, ClinGen allele CA73975931.
Genomic context (GRCh38, chr3:48,572,874, plus strand): 5'-CCCACAGCTGGGCACCACACCCTAGCGAGCTGCCCCCAGAACACATACTGGCACACCAGG[G>T]CTCCCTCTGTCTCCATCTTTTCCACTGGCACCATCTCGACCTGGGGCTCCCGGCTTCCCT-3'
Protein context (NP_000085.1, residues 2263-2283): GASGKDGDRG[Ser2273Arg]PGVPGSPGLP